The following is an entry in ClinVar:

NM_012431.3(SEMA3E):c.988A>C (p.Asn330His)

Gene: SEMA3E (semaphorin 3E; minus strand). Cytogenetic location: 7q21.11.
Variant type: single nucleotide variant.
Coding change: c.988A>C on transcript NM_012431.3 (MANE Select); coding-DNA position 988, A replaced by C.
Protein change: p.Asn330His; replaces asparagine 330 with histidine.
Molecular consequence: missense variant.
Genome position (GRCh38, 1-based): chr7:83,405,460, T>G on the plus strand (A>C on the coding strand, the complement: SEMA3E is on the minus strand). VCF-style: chr7-83405460-T-G. GRCh37 (hg19) VCF-style: chr7-83034776-T-G.
Other names: c.808A>C, p.Asn270His (NM_001178129.2); short protein forms N270H, N330H.
Identifiers: ClinVar variation 2705853 (VCV002705853.3), dbSNP rs2484316443, ClinGen allele CA367929380.
Genomic context (GRCh38, chr7:83,405,460, plus strand): 5'-GAGGCATCTCTTGTTCTATATTGTTTTTATTGACTGTATAAATTTCTCACCTGGTAGTGT[T>G]AAAGAGTCCAAATATCACTGGATTCTTATGATCTCTGGTAGGTAGCAAAAAAACGTCCTC-3'
Protein context (NP_036563.1, residues 320-340): HKNPVIFGLF[Asn330His]TTSNIFRGHA

ClinVar aggregate classification (germline): Uncertain significance (1 of 4 stars; one submission).

Conditions:
CHARGE syndrome (CHARGE). Also called: Hittner Hirsch Kreh syndrome; CHARGE ASSOCIATION--COLOBOMA, HEART ANOMALY, CHOANAL ATRESIA, RETARDATION, GENITAL AND EAR ANOMALIES; Coloboma, heart anomaly, choanal atresia, retardation, genital and ear anomalies; CHARGE association; Hall-Hittner syndrome. Identifiers: Orphanet 138, MedGen C0265354, MONDO:0008965.

Submission:

Labcorp Genetics (formerly Invitae), Labcorp
Classification: Uncertain significance for CHARGE syndrome. Last evaluated: 2023-12-27. Review status: criteria provided, single submitter. Criteria: Invitae Variant Classification Sherloc (09022015). Collection method: clinical testing. Allele origin: germline.
Comment: This sequence change replaces asparagine, which is neutral and polar, with histidine, which is basic and polar, at codon 330 of the SEMA3E protein (p.Asn330His). This variant is not present in population databases (gnomAD no frequency). This variant has not been reported in the literature in individuals affected with SEMA3E-related conditions. Advanced modeling of protein sequence and biophysical properties (such as structural, functional, and spatial information, amino acid conservation, physicochemical variation, residue mobility, and thermodynamic stability) performed at Invitae indicates that this missense variant is not expected to disrupt SEMA3E protein function with a negative predictive value of 80%. In summary, the available evidence is currently insufficient to determine the role of this variant in disease. Therefore, it has been classified as a Variant of Uncertain Significance.